The following is an entry in ClinVar:

NM_018418.5(SPATA7):c.1076A>T (p.Tyr359Phe)

Gene: SPATA7 (spermatogenesis associated 7; plus strand). Cytogenetic location: 14q31.3.
Variant type: single nucleotide variant.
Coding change: c.1076A>T on transcript NM_018418.5 (MANE Select); coding-DNA position 1076, A replaced by T.
Protein change: p.Tyr359Phe; replaces tyrosine 359 with phenylalanine.
Molecular consequence: missense variant.
Genome position (GRCh38, 1-based): chr14:88,431,219, A>T. VCF-style: chr14-88431219-A-T. GRCh37 (hg19) VCF-style: chr14-88897563-A-T.
Other names: c.980A>T, p.Tyr327Phe (NM_001040428.4); short protein forms Y327F, Y359F.
Identifiers: ClinVar variation 1385853 (VCV001385853.6), dbSNP rs2076931978, ClinGen allele CA390567762.

ClinVar aggregate classification (germline): Uncertain significance (1 of 4 stars; one submission).

Conditions:
Leber congenital amaurosis 3 (LCA3). Also called: SPATA7-Related Retinitis Pigmentosa. Identifiers: MedGen C1858677, MONDO:0011415, OMIM 604232.

Submission:

Labcorp Genetics (formerly Invitae), Labcorp
Classification: Uncertain significance for Leber congenital amaurosis 3. Last evaluated: 2022-09-13. Review status: criteria provided, single submitter. Criteria: Invitae Variant Classification Sherloc (09022015). Collection method: clinical testing. Allele origin: germline.
Comment: This variant is not present in population databases (gnomAD no frequency). This sequence change replaces tyrosine, which is neutral and polar, with phenylalanine, which is neutral and non-polar, at codon 359 of the SPATA7 protein (p.Tyr359Phe). This variant has not been reported in the literature in individuals affected with SPATA7-related conditions. In summary, the available evidence is currently insufficient to determine the role of this variant in disease. Therefore, it has been classified as a Variant of Uncertain Significance. Advanced modeling of protein sequence and biophysical properties (such as structural, functional, and spatial information, amino acid conservation, physicochemical variation, residue mobility, and thermodynamic stability) performed at Invitae indicates that this missense variant is not expected to disrupt SPATA7 protein function. ClinVar contains an entry for this variant (Variation ID: 1385853).